The following is an entry in ClinVar:

ClinVar aggregate classification (germline): Uncertain significance (1 of 4 stars; one submission).

Conditions:
Developmental and epileptic encephalopathy, 21 (DEE21). Also called: Early infantile epileptic encephalopathy 21. Identifiers: Orphanet 442835, MedGen C4014430, MONDO:0014360, OMIM 615833.

gnomAD v4.1: 1 of 1,614,062 alleles (0.000062%); highest among the groups gnomAD compares: Non-Finnish European, 0.000085%; no homozygotes.

Submission:

Labcorp Genetics (formerly Invitae), Labcorp
Classification: Uncertain significance for Developmental and epileptic encephalopathy, 21. Last evaluated: 2023-03-03. Review status: criteria provided, single submitter. Criteria: Invitae Variant Classification Sherloc (09022015). Collection method: clinical testing. Allele origin: germline.
Comment: This sequence change replaces glutamine, which is neutral and polar, with histidine, which is basic and polar, at codon 274 of the NECAP1 protein (p.Gln274His). In summary, the available evidence is currently insufficient to determine the role of this variant in disease. Therefore, it has been classified as a Variant of Uncertain Significance. An algorithm developed to predict the effect of missense changes on protein structure and function (PolyPhen-2) suggests that this variant is likely to be disruptive. This variant has not been reported in the literature in individuals affected with NECAP1-related conditions. This variant is present in population databases (no rsID available, gnomAD 0.0009%).

NM_015509.4(NECAP1):c.822G>C (p.Gln274His)

Gene: NECAP1 (NECAP endocytosis associated 1; plus strand). Cytogenetic location: 12p13.31.
Variant type: single nucleotide variant.
Coding change: c.822G>C on transcript NM_015509.4 (MANE Select); coding-DNA position 822, G replaced by C.
Protein change: p.Gln274His; replaces glutamine 274 with histidine.
Molecular consequence: missense variant. On other transcripts: non-coding transcript variant (1).
Genome position (GRCh38, 1-based): chr12:8,096,084, G>C. VCF-style: chr12-8096084-G-C. GRCh37 (hg19) VCF-style: chr12-8248680-G-C.
Other names: short protein forms Q274H.
Identifiers: ClinVar variation 2977091 (VCV002977091.3), dbSNP rs1377147239, ClinGen allele CA383803136.